The following is an entry in ClinVar:

NM_006947.4(SRP72):c.1781A>G (p.Lys594Arg)

Gene: SRP72 (signal recognition particle 72; plus strand). Cytogenetic location: 4q12.
Variant type: single nucleotide variant.
Coding change: c.1781A>G on transcript NM_006947.4 (MANE Select); coding-DNA position 1781, A replaced by G.
Protein change: p.Lys594Arg; replaces lysine 594 with arginine.
Molecular consequence: missense variant. On other transcripts: non-coding transcript variant (1).
Genome position (GRCh38, 1-based): chr4:56,500,638, A>G. VCF-style: chr4-56500638-A-G. GRCh37 (hg19) VCF-style: chr4-57366804-A-G.
Other names: c.1781A>G (NM_006947.3); c.1598A>G, p.Lys533Arg (NM_001267722.2); short protein forms K533R, K594R.
Identifiers: ClinVar variation 2133601 (VCV002133601.5), dbSNP rs1285896377, ClinGen allele CA357002787.

ClinVar aggregate classification (germline): Uncertain significance. Review status: criteria provided, multiple submitters, no conflicts (2 of 4 stars). 2 submissions from 2 submitters: Uncertain significance (2). Last evaluated 2025-12-15.

Allele frequency attached by ClinVar (database versions not stated): gnomAD exomes below 0.00001.
gnomAD v4.1: 2 of 1,614,036 alleles (0.00012%); highest among the groups gnomAD compares: South Asian, 0.0011%; no homozygotes.

Submissions (2):

Ambry Genetics
Classification: Uncertain significance. Last evaluated: 2025-12-15. Review status: criteria provided, single submitter. Criteria: Ambry Variant Classification Scheme 2023. Collection method: clinical testing. Allele origin: germline.
Comment: The p.K594R variant (also known as c.1781A>G), located in coding exon 18 of the SRP72 gene, results from an A to G substitution at nucleotide position 1781. The lysine at codon 594 is replaced by arginine, an amino acid with highly similar properties. This amino acid position is conserved. In addition, the in silico prediction for this alteration is inconclusive. Based on the available evidence, the clinical significance of this variant remains unclear.

Labcorp Genetics (formerly Invitae), Labcorp
Classification: Uncertain significance. Last evaluated: 2022-05-04. Review status: criteria provided, single submitter. Criteria: Invitae Variant Classification Sherloc (09022015). Collection method: clinical testing. Allele origin: germline.
Comment: In summary, the available evidence is currently insufficient to determine the role of this variant in disease. Therefore, it has been classified as a Variant of Uncertain Significance. Algorithms developed to predict the effect of missense changes on protein structure and function (SIFT, PolyPhen-2, Align-GVGD) all suggest that this variant is likely to be tolerated. This sequence change replaces lysine, which is basic and polar, with arginine, which is basic and polar, at codon 594 of the SRP72 protein (p.Lys594Arg). This variant is present in population databases (no rsID available, gnomAD 0.003%). This variant has not been reported in the literature in individuals affected with SRP72-related conditions.